The following is an entry in ClinVar:

ClinVar aggregate classification (germline): Uncertain significance (1 of 4 stars; one submission).

Conditions:
SETX-related disorder. Also called: SETX-related condition; SETX-related disorders. Identifiers: MedGen CN239403.

Submission:

PreventionGenetics, part of Exact Sciences
Classification: Uncertain significance for SETX-related condition. Last evaluated: 2026-07-06. Review status: criteria provided, single submitter. Criteria: ACMG Guidelines, 2015. Collection method: clinical testing. Allele origin: germline.
Comment: The SETX c.230T>C variant is predicted to result in the amino acid substitution p.Met77Thr. To our knowledge, this variant has not been reported in the literature or in a large population database (gnomAD), indicating this variant is rare. At this time, the clinical significance of this variant is uncertain due to the absence of conclusive functional and genetic evidence.

NM_015046.7(SETX):c.230T>C (p.Met77Thr)

Gene: SETX (senataxin; minus strand). Cytogenetic location: 9q34.13.
Variant type: single nucleotide variant.
Coding change: c.230T>C on transcript NM_015046.7 (MANE Select); coding-DNA position 230, T replaced by C.
Protein change: p.Met77Thr; replaces methionine 77 with threonine.
Molecular consequence: missense variant.
Genome position (GRCh38, 1-based): chr9:132,346,419, A>G on the plus strand (T>C on the coding strand, the complement: SETX is on the minus strand). VCF-style: chr9-132346419-A-G. GRCh37 (hg19) VCF-style: chr9-135221806-A-G.
Other names: c.230T>C, p.Met77Thr (NM_001351527.2, NM_001351528.2); short protein forms M77T.
Identifiers: ClinVar variation 4986824 (VCV004986824.1).